The following is an entry in ClinVar:

NM_001457.4(FLNB):c.3771G>A (p.Pro1257=)

Gene: FLNB (filamin B; plus strand). Cytogenetic location: 3p14.3.
Variant type: single nucleotide variant.
Coding change: c.3771G>A on transcript NM_001457.4 (MANE Select); coding-DNA position 3771, G replaced by A.
Protein change: p.Pro1257=; no amino-acid change (proline 1257 retained).
Molecular consequence: synonymous variant.
Genome position (GRCh38, 1-based): chr3:58,124,378, G>A. VCF-style: chr3-58124378-G-A. GRCh37 (hg19) VCF-style: chr3-58110105-G-A.
Other names: c.3771G>A, p.Pro1257= (NM_001164317.2, NM_001164318.2, NM_001164319.2).
Identifiers: ClinVar variation 346338 (VCV000346338.59), dbSNP rs146851485, ClinGen allele CA2468535.

ClinVar aggregate classification (germline): Benign/Likely benign. Review status: criteria provided, multiple submitters, no conflicts (2 of 4 stars). 7 submissions from 7 submitters: Benign (4); Likely benign (3). Last evaluated 2026-09-01.

Conditions:
Connective tissue disorder. Also called: Connective tissue disease. Identifiers: MedGen C0009782, MONDO:0003900.
FLNB-Related Spectrum Disorders.

Allele frequency attached by ClinVar (database versions not stated): 1000 Genomes Project 30x 0.00281; 1000 Genomes Project 0.00319; ExAC 0.00642; gnomAD exomes 0.00668 and 0.01188; TOPMed 0.00757; gnomAD 0.00763 and 0.00794; ESP Exome Variant Server 0.01007.
gnomAD v4.1: 18,334 of 1,614,184 alleles (1.1%); highest among the groups gnomAD compares: Non-Finnish European, 1.4%; 135 homozygotes.

Submissions (7):

CeGaT Center for Human Genetics Tuebingen
Classification: Benign. Last evaluated: 2026-09-01. Review status: criteria provided, single submitter. Criteria: CeGaT Center For Human Genetics Tuebingen Variant Classification Criteria Version 2. Collection method: clinical testing. Allele origin: germline. Affected: yes. Observed: 17 variant alleles.
Comment: FLNB: BP4, BP7, BS1, BS2

Labcorp Genetics (formerly Invitae), Labcorp
Classification: Benign. Last evaluated: 2026-02-01. Review status: criteria provided, single submitter. Criteria: Invitae Variant Classification Sherloc (09022015). Collection method: clinical testing. Allele origin: germline.

ARUP Laboratories, Molecular Genetics and Genomics, ARUP Laboratories
Classification: Benign. Last evaluated: 2024-12-09. Review status: criteria provided, single submitter. Criteria: ARUP Molecular Germline Variant Investigation Process 2024. Collection method: clinical testing. Allele origin: germline.

Genome Diagnostics Laboratory, The Hospital for Sick Children
Classification: Likely benign for Connective tissue disorder. Last evaluated: 2022-02-24. Review status: criteria provided, single submitter. Criteria: ACMG Guidelines, 2015. Collection method: clinical testing. Allele origin: germline.

Illumina Laboratory Services, Illumina
Classification: Likely benign for FLNB-Related Spectrum Disorders. Last evaluated: 2018-01-13. Review status: criteria provided, single submitter. Criteria: ICSL Variant Classification Criteria 13 December 2019. Collection method: clinical testing. Allele origin: germline.
Comment: This variant was observed in the ICSL laboratory as part of a predisposition screen in an ostensibly healthy population. It had not been previously curated by ICSL or reported in the Human Gene Mutation Database (HGMD: prior to June 1st, 2018), and was therefore a candidate for classification through an automated scoring system. Utilizing variant allele frequency, disease prevalence and penetrance estimates, and inheritance mode, an automated score was calculated to assess if this variant is too frequent to cause the disease. Based on the score and internal cut-off values, a variant classified as likely benign is not then subjected to further curation. The score for this variant resulted in a classification of likely benign for this disease.

GeneDx
Classification: Benign. Last evaluated: 2016-12-29. Review status: criteria provided, single submitter. Criteria: GeneDx Variant Classification (06012015). Collection method: clinical testing. Allele origin: germline. Affected: yes.
Comment: This variant is considered likely benign or benign based on one or more of the following criteria: it is a conservative change, it occurs at a poorly conserved position in the protein, it is predicted to be benign by multiple in silico algorithms, and/or has population frequency not consistent with disease.

Breakthrough Genomics
Classification: Likely benign. Review status: criteria provided, single submitter. Criteria: ACMG Guidelines, 2015. Collection method: not provided. Allele origin: germline. Inheritance: Autosomal recessive inheritance. Affected: yes.